The following is an entry in ClinVar:

NM_015346.4(ZFYVE26):c.5881C>A (p.Leu1961Ile)

Gene: ZFYVE26 (zinc finger FYVE-type containing 26; minus strand). Cytogenetic location: 14q24.1.
Variant type: single nucleotide variant.
Coding change: c.5881C>A on transcript NM_015346.4 (MANE Select); coding-DNA position 5881, C replaced by A.
Protein change: p.Leu1961Ile; replaces leucine 1961 with isoleucine.
Molecular consequence: missense variant.
Genome position (GRCh38, 1-based): chr14:67,766,357, G>T on the plus strand (C>A on the coding strand, the complement: ZFYVE26 is on the minus strand). VCF-style: chr14-67766357-G-T. GRCh37 (hg19) VCF-style: chr14-68233074-G-T.
Other names: short protein forms L1961I.
Identifiers: ClinVar variation 1443989 (VCV001443989.6), dbSNP rs2140199467, ClinGen allele CA390165840.

ClinVar aggregate classification (germline): Uncertain significance (1 of 4 stars; one submission).

Conditions:
Spastic paraplegia. Identifiers: MedGen C0037772, HP:0001258.

Allele frequency attached by ClinVar (database versions not stated): gnomAD exomes below 0.00001.
gnomAD v4.1: 1 of 1,613,184 alleles (0.000062%); highest among the groups gnomAD compares: South Asian, 0.0011%; no homozygotes.

Submission:

Labcorp Genetics (formerly Invitae), Labcorp
Classification: Uncertain significance for Spastic paraplegia. Last evaluated: 2024-12-02. Review status: criteria provided, single submitter. Criteria: Invitae Variant Classification Sherloc (09022015). Collection method: clinical testing. Allele origin: germline.
Comment: This sequence change replaces leucine, which is neutral and non-polar, with isoleucine, which is neutral and non-polar, at codon 1961 of the ZFYVE26 protein (p.Leu1961Ile). This variant is not present in population databases (gnomAD no frequency). This variant has not been reported in the literature in individuals affected with ZFYVE26-related conditions. ClinVar contains an entry for this variant (Variation ID: 1443989). An algorithm developed to predict the effect of missense changes on protein structure and function (PolyPhen-2) suggests that this variant is likely to be disruptive. In summary, the available evidence is currently insufficient to determine the role of this variant in disease. Therefore, it has been classified as a Variant of Uncertain Significance.